The following is an entry in ClinVar:

NM_005422.4(TECTA):c.5071T>C (p.Cys1691Arg)

Genes: TBCEL-TECTA (TBCEL-TECTA readthrough; plus strand), TECTA (tectorin alpha; plus strand). Cytogenetic location: 11q23.3.
Variant type: single nucleotide variant.
Coding change: c.5071T>C on transcript NM_005422.4 (MANE Select); coding-DNA position 5071, T replaced by C.
Protein change: p.Cys1691Arg; replaces cysteine 1691 with arginine.
Molecular consequence: missense variant.
Genome position (GRCh38, 1-based): chr11:121,162,169, T>C. VCF-style: chr11-121162169-T-C. GRCh37 (hg19) VCF-style: chr11-121032878-T-C.
Other names: c.6013T>C, p.Cys2005Arg (NM_001378761.1); short protein forms C1691R, C2005R.
Identifiers: ClinVar variation 3634412 (VCV003634412.2).

ClinVar aggregate classification (germline): Uncertain significance (1 of 4 stars; one submission).

gnomAD v4.1: 3 of 1,614,214 alleles (0.00019%); highest among the groups gnomAD compares: South Asian, 0.0033%; no homozygotes.

Submission:

Labcorp Genetics (formerly Invitae), Labcorp
Classification: Uncertain significance. Last evaluated: 2024-11-27. Review status: criteria provided, single submitter. Criteria: Invitae Variant Classification Sherloc (09022015). Collection method: clinical testing. Allele origin: germline.
Comment: This sequence change replaces cysteine, which is neutral and slightly polar, with arginine, which is basic and polar, at codon 1691 of the TECTA protein (p.Cys1691Arg). This variant is present in population databases (no rsID available, gnomAD 0.003%). This variant has not been reported in the literature in individuals affected with TECTA-related conditions. Invitae Evidence Modeling of protein sequence and biophysical properties (such as structural, functional, and spatial information, amino acid conservation, physicochemical variation, residue mobility, and thermodynamic stability) has been performed for this missense variant. However, the output from this modeling did not meet the statistical confidence thresholds required to predict the impact of this variant on TECTA protein function. In summary, the available evidence is currently insufficient to determine the role of this variant in disease. Therefore, it has been classified as a Variant of Uncertain Significance.